The following is an entry in ClinVar:

NM_001130009.3(GEN1):c.742T>C (p.Ser248Pro)

Gene: GEN1 (GEN1 structure-specific endonuclease; plus strand). Cytogenetic location: 2p24.2.
Variant type: single nucleotide variant.
Coding change: c.742T>C on transcript NM_001130009.3 (MANE Select); coding-DNA position 742, T replaced by C.
Protein change: p.Ser248Pro; replaces serine 248 with proline.
Molecular consequence: missense variant.
Genome position (GRCh38, 1-based): chr2:17,771,227, T>C. VCF-style: chr2-17771227-T-C. GRCh37 (hg19) VCF-style: chr2-17952494-T-C.
Other names: c.742T>C, p.Ser248Pro (NM_182625.5); short protein forms S248P.
Identifiers: ClinVar variation 4857979 (VCV004857979.1).
Genomic context (GRCh38, chr2:17,771,227, plus strand): 5'-CTTTTTTTAAAAACCACTTTCTATTAAAGGTTTAATCGGTGGAATGAAACATCTTGTAAC[T>C]CTAGTCCACAACTGCTAGTCACTAAAAAACTGGCTCATTGTTCCGTATGTTCCCATCCAG-3'
Protein context (NP_001123481.3, residues 238-258): FNRWNETSCN[Ser248Pro]SPQLLVTKKL

ClinVar aggregate classification (germline): Uncertain significance (1 of 4 stars; one submission).

gnomAD v4.1: 1 of 1,612,214 alleles (0.000062%); highest among the groups gnomAD compares: Non-Finnish European, 0.000085%; no homozygotes.

Submission:

Ambry Genetics
Classification: Uncertain significance. Last evaluated: 2026-05-14. Review status: criteria provided, single submitter. Criteria: Ambry Variant Classification Scheme 2023. Collection method: clinical testing. Allele origin: germline.
Comment: The p.S248P variant (also known as c.742T>C), located in coding exon 6 of the GEN1 gene, results from a T to C substitution at nucleotide position 742. The serine at codon 248 is replaced by proline, an amino acid with similar properties. This amino acid position is conserved. In addition, this alteration is predicted to be tolerated by in silico analysis. Based on the available evidence, the clinical significance of this variant remains unclear.